The following is an entry in ClinVar:

NM_002055.5(GFAP):c.358C>A (p.Leu120Met)

Gene: GFAP (glial fibrillary acidic protein; minus strand). Cytogenetic location: 17q21.31.
Variant type: single nucleotide variant.
Coding change: c.358C>A on transcript NM_002055.5 (MANE Select); coding-DNA position 358, C replaced by A.
Protein change: p.Leu120Met; replaces leucine 120 with methionine.
Molecular consequence: missense variant.
Genome position (GRCh38, 1-based): chr17:44,915,129, G>T on the plus strand (C>A on the coding strand, the complement: GFAP is on the minus strand). VCF-style: chr17-44915129-G-T. GRCh37 (hg19) VCF-style: chr17-42992497-G-T.
Other names: c.358C>A, p.Leu120Met (NM_001131019.3, NM_001242376.3, NM_001363846.2); short protein forms L120M.
Identifiers: ClinVar variation 3349130 (VCV003349130.1).
Genomic context (GRCh38, chr17:44,915,129, plus strand): 5'-CAACCTCCAGCCGGGCGCTGTTGGCGGTGAGTTGATCGAGCCGCAGCCGCAGCTCTCGCA[G>T]CTCAGCCTGGTAGACGTCTGCCAGCTTGGTGGGCTCCTTGGCCCGCAGCTGGTTCAGCTC-3'
Protein context (NP_002046.1, residues 110-130): TKLADVYQAE[Leu120Met]RELRLRLDQL

ClinVar aggregate classification (germline): Uncertain significance (0 of 4 stars; one submission).

Conditions:
GFAP-related disorder. Also called: GFAP-related condition; GFAP-related disorders.

Submission:

PreventionGenetics, part of Exact Sciences
Classification: Uncertain significance for GFAP-related condition. Last evaluated: 2024-03-22. Review status: no assertion criteria provided. Collection method: clinical testing. Allele origin: germline.
Comment: The GFAP c.358C>A variant is predicted to result in the amino acid substitution p.Leu120Met. To our knowledge, this variant has not been reported in the literature or in a large population database, indicating this variant is rare. At this time, the clinical significance of this variant is uncertain due to the absence of conclusive functional and genetic evidence.